The following is an entry in ClinVar:

ClinVar aggregate classification (germline): Pathogenic/Likely pathogenic. Review status: criteria provided, multiple submitters, no conflicts (2 of 4 stars). 9 submissions from 9 submitters: Pathogenic (6); Likely pathogenic (1). 2 of the submissions do not count toward it. Last evaluated 2024-09-12.

Conditions:
Marfan syndrome (MFS). Also called: Marfan syndrome, classic; FBN1-Related Marfan Syndrome; Marfan syndrome type 1; Marfan's syndrome; MARFAN SYNDROME, TYPE I. Identifiers: Orphanet 284963, Orphanet 558, MedGen C0024796, MONDO:0007947, OMIM 154700.
Familial thoracic aortic aneurysm and aortic dissection (TAAD). Also called: Thoracic aortic aneurysms and dissections. Identifiers: Orphanet 91387, MedGen C4707243, MONDO:0019625.
FBN1-related disorder. Also called: FBN1-related disorders.

Submissions (9):

Blueprint Genetics
Classification: Pathogenic for FBN1-related disorders. Last evaluated: 2024-09-12. Review status: criteria provided, single submitter. Criteria: ACMG Guidelines, 2015. Collection method: clinical testing. Allele origin: germline. Affected: yes. Observed: 5 variant alleles.

Labcorp Genetics (formerly Invitae), Labcorp
Classification: Pathogenic for Marfan syndrome; Familial thoracic aortic aneurysm and aortic dissection. Last evaluated: 2024-08-01. Review status: criteria provided, single submitter. Criteria: Invitae Variant Classification Sherloc (09022015). Collection method: clinical testing. Allele origin: germline.
Comment: This sequence change replaces glycine, which is neutral and non-polar, with serine, which is neutral and polar, at codon 880 of the FBN1 protein (p.Gly880Ser). This variant is not present in population databases (gnomAD no frequency). This missense change has been observed in individual(s) with Marfan syndrome (PMID: 12402346, 15821637, 18435798, 22772377). ClinVar contains an entry for this variant (Variation ID: 200000). Advanced modeling of protein sequence and biophysical properties (such as structural, functional, and spatial information, amino acid conservation, physicochemical variation, residue mobility, and thermodynamic stability) performed at Invitae indicates that this missense variant is expected to disrupt FBN1 protein function with a positive predictive value of 95%. Experimental studies have shown that this missense change affects FBN1 function (PMID: 16905551). For these reasons, this variant has been classified as Pathogenic.

Division of Human Genetics, National Health Laboratory Service/University of the Witwatersrand
Classification: Pathogenic for Marfan syndrome. Last evaluated: 2023-07-01. Review status: criteria provided, single submitter. Criteria: ACMG Guidelines, 2015. Collection method: research. Allele origin: germline. Affected: yes.

Revvity Omics, Revvity
Classification: Pathogenic. Last evaluated: 2020-10-03. Review status: criteria provided, single submitter. Criteria: ACMG Guidelines, 2015. Collection method: clinical testing. Allele origin: germline.

Mayo Clinic Laboratories, Mayo Clinic
Classification: Pathogenic. Last evaluated: 2020-09-02. Review status: criteria provided, single submitter. Criteria: ACMG Guidelines, 2015. Collection method: clinical testing. Allele origin: germline. Observed: 1 variant allele.
Comment: PS3_moderate, PS4_moderate, PM1, PM2, PP1, PP2, PP3, PP4

Clinical Genetics and Genomics, Karolinska University Hospital
Classification: Pathogenic. Last evaluated: 2019-11-13. Review status: criteria provided, single submitter. Criteria: ACMG Guidelines, 2015. Collection method: clinical testing. Allele origin: germline. Affected: yes. Observed: 1 variant allele.

CHEO Genetics Diagnostic Laboratory, Children's Hospital of Eastern Ontario
Classification: Likely pathogenic for Familial thoracic aortic aneurysm and aortic dissection. Last evaluated: 2019-01-25. Review status: criteria provided, single submitter. Criteria: ACMG Guidelines, 2015. Collection method: clinical testing. Allele origin: germline.

Center for Medical Genetics Ghent, University of Ghent
Classification: Likely pathogenic for Marfan syndrome. Last evaluated: 2017-11-07. Review status: no assertion criteria provided. Collection method: clinical testing. Allele origin: de novo. Affected: yes. Not counted in ClinVar's aggregate classification.

Genomic Medicine Center of Excellence, King Faisal Specialist Hospital and Research Centre
Classification: Uncertain significance for Marfan syndrome. Last evaluated: 2024-03-25. Review status: flagged submission. Criteria: ACMG Guidelines, 2015. Collection method: clinical testing. Allele origin: germline. Not counted in ClinVar's aggregate classification.
ClinVar note: Reason: Outlier claim with insufficient supporting evidence

Literature cited by the submitters: PubMed 12402346 (cited by Labcorp Genetics (formerly Invitae), Labcorp and Mayo Clinic Laboratories, Mayo Clinic); PubMed 15821637 (cited by Labcorp Genetics (formerly Invitae), Labcorp and Mayo Clinic Laboratories, Mayo Clinic); PubMed 18435798 (cited by Labcorp Genetics (formerly Invitae), Labcorp and Mayo Clinic Laboratories, Mayo Clinic); PubMed 22772377 (cited by Labcorp Genetics (formerly Invitae), Labcorp and Mayo Clinic Laboratories, Mayo Clinic); PubMed 16905551 (cited by Labcorp Genetics (formerly Invitae), Labcorp and Mayo Clinic Laboratories, Mayo Clinic); PubMed 31098894 (cited by Mayo Clinic Laboratories, Mayo Clinic); PubMed 31730815 (cited by Mayo Clinic Laboratories, Mayo Clinic).

NM_000138.5(FBN1):c.2638G>A (p.Gly880Ser)

Gene: FBN1 (fibrillin 1; minus strand). Cytogenetic location: 15q21.1.
Variant type: single nucleotide variant.
Coding change: c.2638G>A on transcript NM_000138.5 (MANE Select); coding-DNA position 2638, G replaced by A.
Protein change: p.Gly880Ser; replaces glycine 880 with serine.
Molecular consequence: missense variant.
Genome position (GRCh38, 1-based): chr15:48,495,162, C>T on the plus strand (G>A on the coding strand, the complement: FBN1 is on the minus strand). VCF-style: chr15-48495162-C-T. GRCh37 (hg19) VCF-style: chr15-48787359-C-T.
Other names: short protein forms G880S.
Identifiers: ClinVar variation 200000 (VCV000200000.24), dbSNP rs794728194, ClinGen allele CA013249.